The following is an entry in ClinVar:

NM_019098.5(CNGB3):c.1806C>G (p.Asn602Lys)

Gene: CNGB3 (cyclic nucleotide gated channel subunit beta 3; minus strand). Cytogenetic location: 8q21.3.
Variant type: single nucleotide variant.
Coding change: c.1806C>G on transcript NM_019098.5 (MANE Select); coding-DNA position 1806, C replaced by G.
Protein change: p.Asn602Lys; replaces asparagine 602 with lysine.
Molecular consequence: missense variant.
Genome position (GRCh38, 1-based): chr8:86,579,228, G>C on the plus strand (C>G on the coding strand, the complement: CNGB3 is on the minus strand). VCF-style: chr8-86579228-G-C. GRCh37 (hg19) VCF-style: chr8-87591456-G-C.
Other names: c.1806C>G (NM_019098.4); short protein forms N602K.
Identifiers: ClinVar variation 1444850 (VCV001444850.6), dbSNP rs769171325, ClinGen allele CA4799891.

ClinVar aggregate classification (germline): Uncertain significance. Review status: criteria provided, multiple submitters, no conflicts (2 of 4 stars). 2 submissions from 2 submitters: Uncertain significance (2). Last evaluated 2022-08-17.

Conditions:
Inborn genetic diseases. Identifiers: MedGen C0950123, MeSH D030342.

Allele frequency attached by ClinVar (database versions not stated): gnomAD 0.00001.
gnomAD v4.1: 7 of 1,614,056 alleles (0.00043%); highest among the groups gnomAD compares: South Asian, 0.0022%; no homozygotes.

Submissions (2):

Ambry Genetics
Classification: Uncertain significance for Inborn genetic diseases. Last evaluated: 2022-08-17. Review status: criteria provided, single submitter. Criteria: Ambry Variant Classification Scheme 2023. Collection method: clinical testing. Allele origin: germline.

Labcorp Genetics (formerly Invitae), Labcorp
Classification: Uncertain significance. Last evaluated: 2022-07-12. Review status: criteria provided, single submitter. Criteria: Invitae Variant Classification Sherloc (09022015). Collection method: clinical testing. Allele origin: germline.
Comment: This sequence change replaces asparagine, which is neutral and polar, with lysine, which is basic and polar, at codon 602 of the CNGB3 protein (p.Asn602Lys). This variant is present in population databases (rs769171325, gnomAD 0.003%). This variant has not been reported in the literature in individuals affected with CNGB3-related conditions. ClinVar contains an entry for this variant (Variation ID: 1444850). Algorithms developed to predict the effect of missense changes on protein structure and function (SIFT, PolyPhen-2, Align-GVGD) all suggest that this variant is likely to be disruptive. In summary, the available evidence is currently insufficient to determine the role of this variant in disease. Therefore, it has been classified as a Variant of Uncertain Significance.